The following is an entry in ClinVar:

NM_001365276.2(TNXB):c.3256G>A (p.Glu1086Lys)

Gene: TNXB (tenascin XB; minus strand). Cytogenetic location: 6p21.33.
Variant type: single nucleotide variant.
Coding change: c.3256G>A on transcript NM_001365276.2 (MANE Select); coding-DNA position 3256, G replaced by A.
Protein change: p.Glu1086Lys; replaces glutamic acid 1086 with lysine.
Molecular consequence: missense variant.
Genome position (GRCh38, 1-based): chr6:32,084,602, C>T on the plus strand (G>A on the coding strand, the complement: TNXB is on the minus strand). VCF-style: chr6-32084602-C-T. GRCh37 (hg19) VCF-style: chr6-32052379-C-T.
Other names: c.3256G>A, p.Glu1086Lys (NM_019105.8); short protein forms E1086K.
Identifiers: ClinVar variation 1729466 (VCV001729466.4), dbSNP rs766226155, ClinGen allele CA3735214.
Genomic context (GRCh38, chr6:32,084,602, plus strand): 5'-CCACCTGGGGCTGCCCGTCCCTGTCTTTGTACTGGATCACGAAGGAGTCAAACTCGCCCT[C>T]GGGGACCGTCCAGCGCAGGAGCAAGGAGTCGGAGGTCCTGTCTGTCACCGTCAGCTCACC-3'
Protein context (NP_001352205.1, residues 1076-1096): DSLLLRWTVP[Glu1086Lys]GEFDSFVIQY

ClinVar aggregate classification (germline): Uncertain significance. Review status: criteria provided, multiple submitters, no conflicts (2 of 4 stars). 2 submissions from 2 submitters: Uncertain significance (2). Last evaluated 2025-03-14.

Conditions:
Cardiovascular phenotype. Identifiers: MedGen CN230736.
Vesicoureteral reflux 8 (VUR8). Identifiers: Orphanet 289365, MedGen C4014831, MONDO:0014422, OMIM 615963.

Allele frequency attached by ClinVar (database versions not stated): gnomAD 0.00001; TOPMed 0.00001; ExAC 0.00002.
gnomAD v4.1: 8 of 1,608,080 alleles (0.0005%); highest among the groups gnomAD compares: South Asian, 0.0011%; no homozygotes.

Submissions (2):

Ambry Genetics
Classification: Uncertain significance for Cardiovascular phenotype. Last evaluated: 2025-03-14. Review status: criteria provided, single submitter. Criteria: Ambry Variant Classification Scheme 2023. Collection method: clinical testing. Allele origin: germline.
Comment: The p.E1086K variant (also known as c.3256G>A), located in coding exon 7 of the TNXB gene, results from a G to A substitution at nucleotide position 3256. The glutamic acid at codon 1086 is replaced by lysine, an amino acid with similar properties. This amino acid position is conserved. In addition, this alteration is predicted to be tolerated by in silico analysis. Since supporting evidence is limited at this time, the clinical significance of this alteration remains unclear.

Johns Hopkins Genomics, Johns Hopkins University
Classification: Uncertain significance for Vesicoureteral reflux 8. Last evaluated: 2022-09-11. Review status: criteria provided, single submitter. Criteria: ACMG Guidelines, 2015. Collection method: clinical testing. Allele origin: germline.